The following is an entry in ClinVar:

NM_022765.4(MICAL1):c.3172G>A (p.Glu1058Lys)

Gene: MICAL1 (microtubule associated monooxygenase, calponin and LIM domain containing 1; minus strand). Cytogenetic location: 6q21.
Variant type: single nucleotide variant.
Coding change: c.3172G>A on transcript NM_022765.4 (MANE Select); coding-DNA position 3172, G replaced by A.
Protein change: p.Glu1058Lys; replaces glutamic acid 1058 with lysine.
Molecular consequence: missense variant.
Genome position (GRCh38, 1-based): chr6:109,444,223, C>T on the plus strand (G>A on the coding strand, the complement: MICAL1 is on the minus strand). VCF-style: chr6-109444223-C-T. GRCh37 (hg19) VCF-style: chr6-109765426-C-T.
Other names: c.2914G>A, p.Glu972Lys (NM_001159291.2); c.3229G>A, p.Glu1077Lys (NM_001286613.2); short protein forms E1077K, E972K, E1058K.
Identifiers: ClinVar variation 2071123 (VCV002071123.4), dbSNP rs759678163, ClinGen allele CA3952627.

ClinVar aggregate classification (germline): Uncertain significance (1 of 4 stars; one submission).

Allele frequency attached by ClinVar (database versions not stated): ExAC 0.00001; TOPMed 0.00001; gnomAD 0.00002.
gnomAD v4.1: 12 of 1,613,466 alleles (0.00074%); highest among the groups gnomAD compares: Non-Finnish European, 0.00085%; no homozygotes.

Submission:

Labcorp Genetics (formerly Invitae), Labcorp
Classification: Uncertain significance. Last evaluated: 2025-04-14. Review status: criteria provided, single submitter. Criteria: Invitae Variant Classification Sherloc (09022015). Collection method: clinical testing. Allele origin: germline.
Comment: This sequence change replaces glutamic acid, which is acidic and polar, with lysine, which is basic and polar, at codon 1077 of the MICAL1 protein (p.Glu1077Lys). This variant is present in population databases (rs759678163, gnomAD 0.003%). This variant has not been reported in the literature in individuals affected with MICAL1-related conditions. ClinVar contains an entry for this variant (Variation ID: 2071123). An algorithm developed to predict the effect of missense changes on protein structure and function (PolyPhen-2) suggests that this variant is likely to be disruptive. In summary, the available evidence is currently insufficient to determine the role of this variant in disease. Therefore, it has been classified as a Variant of Uncertain Significance.